The following is an entry in ClinVar:

ClinVar aggregate classification (germline): Likely benign. Review status: criteria provided, multiple submitters, no conflicts (2 of 4 stars). 5 submissions from 5 submitters: Likely benign (5). Last evaluated 2026-01-06.

Conditions:
Cardiovascular phenotype. Identifiers: MedGen CN230736.
Catecholaminergic polymorphic ventricular tachycardia (CVPT). Also called: Catecholamine-induced polymorphic ventricular tachycardia. Identifiers: Orphanet 3286, MedGen C5574922, MONDO:0017990.
Cardiomyopathy (CMYO). Also called: Cardiomyopathies. Identifiers: Orphanet 167848, MedGen C0878544, MONDO:0004994, HP:0001638. Inheritance: Various modes of inheritance.
Catecholaminergic polymorphic ventricular tachycardia 1. Also called: VENTRICULAR TACHYCARDIA, STRESS-INDUCED POLYMORPHIC 1; VENTRICULAR TACHYCARDIA, CATECHOLAMINERGIC POLYMORPHIC, 1, WITH OR WITHOUT ATRIAL DYSFUNCTION AND/OR DILATED CARDIOMYOPATHY; RYR2-Related Catecholaminergic Polymorphic Ventricular Tachycardia. Identifiers: Orphanet 3286, MedGen C1631597, MONDO:0011484, OMIM 604772.

Allele frequency attached by ClinVar (database versions not stated): TOPMed 0.00002; gnomAD 0.00005.
gnomAD v4.1: 12 of 1,573,160 alleles (0.00076%); highest among the groups gnomAD compares: African/African-American, 0.015%; no homozygotes.

Submissions (5):

Labcorp Genetics (formerly Invitae), Labcorp
Classification: Likely benign for Catecholaminergic polymorphic ventricular tachycardia 1. Last evaluated: 2026-01-06. Review status: criteria provided, single submitter. Criteria: Invitae Variant Classification Sherloc (09022015). Collection method: clinical testing. Allele origin: germline.

Women's Health and Genetics/Laboratory Corporation of America, LabCorp
Classification: Likely benign. Last evaluated: 2024-02-04. Review status: criteria provided, single submitter. Criteria: LabCorp Variant Classification Summary - May 2015. Collection method: clinical testing. Allele origin: germline.

All of Us Research Program, National Institutes of Health
Classification: Likely benign for Catecholaminergic polymorphic ventricular tachycardia. Last evaluated: 2023-10-02. Review status: criteria provided, single submitter. Criteria: ACMG Guidelines, 2015. Collection method: clinical testing. Allele origin: germline. Inheritance: Autosomal dominant inheritance. Observed: 2 variant alleles, 2 heterozygotes.
Comment: This study involves interpretation of variants in research participants for the purpose of population health screening. Participant phenotype was not available at the time of variant classification. Additional details can be found in publication PMID: 35346344, PMCID: PMC8962531

Color Diagnostics, LLC DBA Color Health
Classification: Likely benign for Cardiomyopathy. Last evaluated: 2022-11-06. Review status: criteria provided, single submitter. Criteria: ACMG Guidelines, 2015. Collection method: clinical testing. Allele origin: germline.

Ambry Genetics
Classification: Likely benign for Cardiovascular phenotype. Last evaluated: 2020-03-19. Review status: criteria provided, single submitter. Criteria: Ambry Variant Classification Scheme 2023. Collection method: clinical testing. Allele origin: germline.

NM_001035.3(RYR2):c.11418T>C (p.Asn3806=)

Gene: RYR2 (ryanodine receptor 2; plus strand). Cytogenetic location: 1q43.
Variant type: single nucleotide variant.
Coding change: c.11418T>C on transcript NM_001035.3 (MANE Select); coding-DNA position 11418, T replaced by C.
Protein change: p.Asn3806=; no amino-acid change (asparagine 3806 retained).
Molecular consequence: synonymous variant.
Genome position (GRCh38, 1-based): chr1:237,760,970, T>C. VCF-style: chr1-237760970-T-C. GRCh37 (hg19) VCF-style: chr1-237924270-T-C.
Other names: c.11418T>C, p.Asn3806= (LRG_402t1).
Identifiers: ClinVar variation 463544 (VCV000463544.15), dbSNP rs889979768, ClinGen allele CA39832622.